The following is an entry in ClinVar:

NM_001267550.2(TTN):c.28492A>G (p.Arg9498Gly)

Gene: TTN (titin; minus strand). Cytogenetic location: 2q31.2.
Variant type: single nucleotide variant.
Coding change: c.28492A>G on transcript NM_001267550.2 (MANE Select); coding-DNA position 28492, A replaced by G.
Protein change: p.Arg9498Gly; replaces arginine 9498 with glycine.
Molecular consequence: missense variant. On other transcripts: intron variant (3).
Genome position (GRCh38, 1-based): chr2:178,709,827, T>C on the plus strand (A>G on the coding strand, the complement: TTN is on the minus strand). VCF-style: chr2-178709827-T-C. GRCh37 (hg19) VCF-style: chr2-179574554-T-C.
Other names: c.27541A>G, p.Arg9181Gly (NM_001256850.1); c.24760A>G, p.Arg8254Gly (NM_133378.4); c.13282+28255A>G (NM_003319.4); c.13858+28255A>G (NM_133437.4); c.13657+28255A>G (NM_133432.3); c.28492A>G (NM_001267550.1); short protein forms R8254G, R9498G, R9181G.
Identifiers: ClinVar variation 668454 (VCV000668454.2), dbSNP rs757471312, ClinGen allele CA349592600.

ClinVar aggregate classification (germline): Uncertain significance (1 of 4 stars; one submission).

Allele frequency attached by ClinVar (database versions not stated): TOPMed 0.00001.
gnomAD v4.1: 2 of 1,612,534 alleles (0.00012%); highest among the groups gnomAD compares: African/African-American, 0.0027%; no homozygotes.

Submission:

GeneDx
Classification: Uncertain significance. Last evaluated: 2025-06-01. Review status: criteria provided, single submitter. Criteria: GeneDx Variant Classification Process June 2021. Collection method: clinical testing. Allele origin: germline. Affected: yes.
Comment: Not observed at significant frequency in large population cohorts (gnomAD); Missense variant in a gene in which most reported pathogenic variants are truncating/loss of function; Has not been previously published as pathogenic or benign to our knowledge